The following is an entry in ClinVar:

NM_003906.5(MCM3AP):c.68_71dup (p.Leu25fs)

Gene: MCM3AP (minichromosome maintenance complex component 3 associated protein; minus strand). Cytogenetic location: 21q22.3.
Variant type: Duplication.
Coding change: c.68_71dup on transcript NM_003906.5 (MANE Select); coding-DNA positions 68 to 71, 4 bases duplicated (GAAC; older notation c.68_71dupGAAC).
Protein change: p.Leu25fs; shifts the reading frame from leucine 25.
Molecular consequence: frameshift variant.
Genome position (GRCh38, 1-based): chr21:46,285,216-46,285,219, GTTC duplicated on the plus strand (GAAC on the coding strand, the reverse complement: MCM3AP is on the minus strand). VCF-style (leftmost placement, unchanged base first): chr21-46285215-T-TGTTC. GRCh37 (hg19) VCF-style: chr21-47705129-T-TGTTC.
Other names: short protein forms L25fs.
Identifiers: ClinVar variation 3724016 (VCV003724016.2).

ClinVar aggregate classification (germline): Pathogenic (1 of 4 stars; one submission).

Submission:

Labcorp Genetics (formerly Invitae), Labcorp
Classification: Pathogenic. Last evaluated: 2024-10-29. Review status: criteria provided, single submitter. Criteria: Invitae Variant Classification Sherloc (09022015). Collection method: clinical testing. Allele origin: germline.
Comment: This sequence change creates a premature translational stop signal (p.Leu25Asnfs*5) in the MCM3AP gene. It is expected to result in an absent or disrupted protein product. Loss-of-function variants in MCM3AP are known to be pathogenic (PMID: 28633435). This variant is not present in population databases (gnomAD no frequency). This variant has not been reported in the literature in individuals affected with MCM3AP-related conditions. For these reasons, this variant has been classified as Pathogenic.

Literature cited by the submitters: PubMed 28633435.